The following is an entry in ClinVar:

ClinVar aggregate classification (germline): Pathogenic/Likely pathogenic. Review status: criteria provided, multiple submitters, no conflicts (2 of 4 stars). 2 submissions from 2 submitters: Pathogenic (1); Likely pathogenic (1). Last evaluated 2026-02-01.

Conditions:
Cutis laxa. Identifiers: Orphanet 209, MedGen C0010495, MONDO:0016175, HP:0000973.

Submissions (2):

Labcorp Genetics (formerly Invitae), Labcorp
Classification: Pathogenic. Last evaluated: 2026-02-01. Review status: criteria provided, single submitter. Criteria: Invitae Variant Classification Sherloc (09022015). Collection method: clinical testing. Allele origin: germline.
Comment: This sequence change creates a premature translational stop signal (p.Gly192Valfs*2) in the PYCR1 gene. It is expected to result in an absent or disrupted protein product. Loss-of-function variants in PYCR1 are known to be pathogenic (PMID: 19648921). This variant is present in population databases (no rsID available, gnomAD 0.007%). This variant has not been reported in the literature in individuals affected with PYCR1-related conditions. ClinVar contains an entry for this variant (Variation ID: 1704556). For these reasons, this variant has been classified as Pathogenic.

Women's Health and Genetics/Laboratory Corporation of America, LabCorp
Classification: Likely pathogenic for Cutis laxa. Last evaluated: 2022-07-15. Review status: criteria provided, single submitter. Criteria: LabCorp Variant Classification Summary - May 2015. Collection method: clinical testing. Allele origin: germline.
Comment: Variant summary: PYCR1 c.575delG (p.Gly192ValfsX2) results in a premature termination codon, predicted to cause a truncation of the encoded protein or absence of the protein due to nonsense mediated decay, which are commonly known mechanisms for disease. The variant eliminates part of the reductase dimerisation domain (IPR029036). Splice-region variants downstream of this position have been reported in patients with Cutis laxa with at least one of them shown, through analysis of RNA from blood lymphocytes of affected homozygotes and heterozygous mutation carriers, to cause exon skipping leading to deletion of the reductase functional domain-coding region and a downstream frameshift (PMIDs: 19576563, 19648921). The variant was absent in 179378 control chromosomes (gnomAD). To our knowledge, no occurrence of c.575delG in individuals affected with Cutis Laxa - PYCR1 Related and no experimental evidence demonstrating its impact on protein function have been reported. No clinical diagnostic laboratories have submitted clinical-significance assessments for this variant to ClinVar after 2014. Based on the evidence outlined above, the variant was classified as likely pathogenic.

Literature cited by the submitters: PubMed 19648921 (cited by Labcorp Genetics (formerly Invitae), Labcorp).

NM_006907.4(PYCR1):c.575del (p.Gly192fs)

Gene: PYCR1 (pyrroline-5-carboxylate reductase 1; minus strand). Cytogenetic location: 17q25.3.
Variant type: Deletion.
Coding change: c.575del on transcript NM_006907.4 (MANE Select); coding-DNA position 575, one base deleted (G; older notation c.575delG).
Protein change: p.Gly192fs; shifts the reading frame from glycine 192.
Molecular consequence: frameshift variant. On other transcripts: intron variant (1).
Genome position (GRCh38, 1-based): chr17:81,934,711, C deleted on the plus strand (G on the coding strand, the reverse complement: PYCR1 is on the minus strand); the first of 5 consecutive C bases (chr17:81,934,711-81,934,715); deleting any one gives the same sequence. VCF-style (leftmost placement, unchanged base first): chr17-81934710-AC-A. GRCh37 (hg19) VCF-style: chr17-79892586-AC-A.
Other names: c.575del, p.Gly192fs (NM_001282280.2, NM_001330523.2, NM_153824.3); c.656del, p.Gly219fs (NM_001282281.2); c.540+215del (NM_001282279.2); c.575delG (NM_006907.3); short protein forms G192fs, G219fs.
Identifiers: ClinVar variation 1704556 (VCV001704556.4), dbSNP rs1567923524, ClinGen allele CA628024637.